The following is an entry in ClinVar:

ClinVar aggregate classification (germline): Likely benign. Review status: criteria provided, single submitter (1 of 4 stars). 2 submissions from 2 submitters: Likely benign (1). 1 of the submissions does not count toward it. Last evaluated 2026-01-18.

Conditions:
PLTP-related disorder. Also called: PLTP-related condition.

Allele frequency attached by ClinVar (database versions not stated): 1000 Genomes Project 30x 0.00016; TOPMed 0.00003; gnomAD 0.00006; 1000 Genomes Project 0.00020; ExAC 0.00022.
gnomAD v4.1: 184 of 1,614,142 alleles (0.011%); highest among the groups gnomAD compares: South Asian, 0.17%; 1 homozygote.

Submissions (2):

Labcorp Genetics (formerly Invitae), Labcorp
Classification: Likely benign. Last evaluated: 2026-01-18. Review status: criteria provided, single submitter. Criteria: Invitae Variant Classification Sherloc (09022015). Collection method: clinical testing. Allele origin: germline.

PreventionGenetics, part of Exact Sciences
Classification: Likely benign for PLTP-related condition. Last evaluated: 2019-02-22. Review status: no assertion criteria provided. Collection method: clinical testing. Allele origin: germline. Not counted in ClinVar's aggregate classification.
Comment: This variant is classified as likely benign based on ACMG/AMP sequence variant interpretation guidelines (Richards et al. 2015 PMID: 25741868, with internal and published modifications).

NM_006227.4(PLTP):c.465G>A (p.Ala155=)

Gene: PLTP (phospholipid transfer protein; minus strand). Cytogenetic location: 20q13.12.
Variant type: single nucleotide variant.
Coding change: c.465G>A on transcript NM_006227.4 (MANE Select); coding-DNA position 465, G replaced by A.
Protein change: p.Ala155=; no amino-acid change (alanine 155 retained).
Molecular consequence: synonymous variant. On other transcripts: intron variant (2).
Genome position (GRCh38, 1-based): chr20:45,909,536, C>T on the plus strand (G>A on the coding strand, the complement: PLTP is on the minus strand). VCF-style: chr20-45909536-C-T. GRCh37 (hg19) VCF-style: chr20-44538175-C-T.
Other names: c.201G>A, p.Ala67= (NM_001242921.1); c.200+1616G>A (NM_001242920.2); c.329+406G>A (NM_182676.3); c.465G>A (NM_006227.3).
Identifiers: ClinVar variation 2742132 (VCV002742132.5), dbSNP rs559294797, ClinGen allele CA9883871.